The following is an entry in ClinVar:

ClinVar aggregate classification (germline): Uncertain significance (1 of 4 stars; one submission).

Conditions:
Cardiovascular phenotype. Identifiers: MedGen CN230736.

gnomAD v4.1: 2 of 1,613,972 alleles (0.00012%); highest among the groups gnomAD compares: African/African-American, 0.0013%; no homozygotes.

Submission:

Ambry Genetics
Classification: Uncertain significance for Cardiovascular phenotype. Last evaluated: 2019-02-16. Review status: criteria provided, single submitter. Criteria: Ambry Variant Classification Scheme 2023. Collection method: clinical testing. Allele origin: germline.
Comment: The p.S1762P variant (also known as c.5284T>C), located in coding exon 27 of the SCN10A gene, results from a T to C substitution at nucleotide position 5284. The serine at codon 1762 is replaced by proline, an amino acid with similar properties. This amino acid position is not well conserved in available vertebrate species. In addition, this alteration is predicted to be deleterious by in silico analysis.Since supporting evidence is limited at this time, the clinical significance of this alteration remains unclear.

NM_006514.4(SCN10A):c.5284T>C (p.Ser1762Pro)

Gene: SCN10A (sodium voltage-gated channel alpha subunit 10; minus strand). Cytogenetic location: 3p22.2.
Variant type: single nucleotide variant.
Coding change: c.5284T>C on transcript NM_006514.4 (MANE Select); coding-DNA position 5284, T replaced by C.
Protein change: p.Ser1762Pro; replaces serine 1762 with proline.
Molecular consequence: missense variant.
Genome position (GRCh38, 1-based): chr3:38,697,936, A>G on the plus strand (T>C on the coding strand, the complement: SCN10A is on the minus strand). VCF-style: chr3-38697936-A-G. GRCh37 (hg19) VCF-style: chr3-38739427-A-G.
Other names: c.5281T>C, p.Ser1761Pro (NM_001293306.2); c.4990T>C, p.Ser1664Pro (NM_001293307.2); short protein forms S1761P, S1664P, S1762P.
Identifiers: ClinVar variation 1746589 (VCV001746589.2), dbSNP rs766168053, ClinGen allele CA352154095.